The following is an entry in ClinVar:

NM_005802.5(TOPORS):c.791G>A (p.Arg264His)

Gene: TOPORS (TOP1 binding arginine/serine rich protein, E3 ubiquitin ligase; minus strand). Cytogenetic location: 9p21.1.
Variant type: single nucleotide variant.
Coding change: c.791G>A on transcript NM_005802.5 (MANE Select); coding-DNA position 791, G replaced by A.
Protein change: p.Arg264His; replaces arginine 264 with histidine.
Molecular consequence: missense variant.
Genome position (GRCh38, 1-based): chr9:32,543,734, C>T on the plus strand (G>A on the coding strand, the complement: TOPORS is on the minus strand). VCF-style: chr9-32543734-C-T. GRCh37 (hg19) VCF-style: chr9-32543732-C-T.
Other names: c.596G>A, p.Arg199His (NM_001195622.2); short protein forms R199H, R264H.
Identifiers: ClinVar variation 1965353 (VCV001965353.5), dbSNP rs774694858, ClinGen allele CA5020598.
Genomic context (GRCh38, chr9:32,543,734, plus strand): 5'-TCAGCTGAAATATCCCTGTAGCGGCCACCATCTTCAATATTTCTAACTCGAGCACCAGCA[C>T]GATAAAGAGTTCGTCTAAAATTAATAATATCTTGTTCTTGAATTTTCCGCAAAGATCTTT-3'
Protein context (NP_005793.2, residues 254-274): DIINFRRTLY[Arg264His]AGARVRNIED

ClinVar aggregate classification (germline): Uncertain significance (1 of 4 stars; one submission).

Allele frequency attached by ClinVar (database versions not stated): gnomAD 0.00001; ExAC 0.00002.
gnomAD v4.1: 31 of 1,611,896 alleles (0.0019%); highest among the groups gnomAD compares: South Asian, 0.0066%; no homozygotes.

Submission:

Labcorp Genetics (formerly Invitae), Labcorp
Classification: Uncertain significance. Last evaluated: 2022-08-16. Review status: criteria provided, single submitter. Criteria: Invitae Variant Classification Sherloc (09022015). Collection method: clinical testing. Allele origin: germline.
Comment: This variant is present in population databases (rs774694858, gnomAD 0.009%). This sequence change replaces arginine, which is basic and polar, with histidine, which is basic and polar, at codon 264 of the TOPORS protein (p.Arg264His). In summary, the available evidence is currently insufficient to determine the role of this variant in disease. Therefore, it has been classified as a Variant of Uncertain Significance. Algorithms developed to predict the effect of missense changes on protein structure and function are either unavailable or do not agree on the potential impact of this missense change (SIFT: "Tolerated"; PolyPhen-2: "Probably Damaging"; Align-GVGD: "Class C0"). This variant has not been reported in the literature in individuals affected with TOPORS-related conditions.